The following is an entry in ClinVar:

NM_001079802.2(FKTN):c.165G>A (p.Trp55Ter)

Gene: FKTN (fukutin; plus strand). Cytogenetic location: 9q31.2.
Variant type: single nucleotide variant.
Coding change: c.165G>A on transcript NM_001079802.2 (MANE Select); coding-DNA position 165, G replaced by A.
Protein change: p.Trp55Ter; replaces tryptophan 55 with a stop codon.
Molecular consequence: nonsense. On other transcripts: 5 prime UTR variant (5), non-coding transcript variant (2).
Genome position (GRCh38, 1-based): chr9:105,596,657, G>A. VCF-style: chr9-105596657-G-A. GRCh37 (hg19) VCF-style: chr9-108358938-G-A.
Other names: c.165G>A, p.Trp55Ter (NM_001198963.2, NM_001351496.2, NM_001351498.2 and 1 more transcripts); c.-3G>A (NM_001351497.2); c.-350G>A (NM_001351499.2, NM_001351500.2, NM_001351501.2 and 1 more transcripts); short protein forms W55*.
Identifiers: ClinVar variation 2851153 (VCV002851153.3), dbSNP rs1458332751, ClinGen allele CA374331148.

ClinVar aggregate classification (germline): Pathogenic (1 of 4 stars; one submission).

Conditions:
Walker-Warburg congenital muscular dystrophy. Also called: Muscular dystrophy-dystroglycanopathy, type A; Walker-Warburg syndrome. Identifiers: Orphanet 899, MedGen C0265221, MONDO:0000171.

gnomAD v4.1: 1 of 1,598,392 alleles (0.000063%); highest among the groups gnomAD compares: Non-Finnish European, 0.000086%; no homozygotes.

Submission:

Labcorp Genetics (formerly Invitae), Labcorp
Classification: Pathogenic for Walker-Warburg congenital muscular dystrophy. Last evaluated: 2024-11-21. Review status: criteria provided, single submitter. Criteria: Invitae Variant Classification Sherloc (09022015). Collection method: clinical testing. Allele origin: germline.
Comment: This sequence change creates a premature translational stop signal (p.Trp55*) in the FKTN gene. It is expected to result in an absent or disrupted protein product. Loss-of-function variants in FKTN are known to be pathogenic (PMID: 17044012, 17878207, 18752264). This variant is not present in population databases (gnomAD no frequency). This variant has not been reported in the literature in individuals affected with FKTN-related conditions. ClinVar contains an entry for this variant (Variation ID: 2851153). Algorithms developed to predict the effect of sequence changes on RNA splicing suggest that this variant may disrupt the consensus splice site. For these reasons, this variant has been classified as Pathogenic.

Literature cited by the submitters: PubMed 17044012; PubMed 17878207; PubMed 18752264.